The following is an entry in ClinVar:

NM_032043.3(BRIP1):c.2853T>C (p.Ile951=)

Gene: BRIP1 (BRCA1 interacting DNA helicase 1; minus strand). Cytogenetic location: 17q23.2.
Variant type: single nucleotide variant.
Coding change: c.2853T>C on transcript NM_032043.3 (MANE Select); coding-DNA position 2853, T replaced by C.
Protein change: p.Ile951=; no amino-acid change (isoleucine 951 retained).
Molecular consequence: synonymous variant.
Genome position (GRCh38, 1-based): chr17:61,685,888, A>G on the plus strand (T>C on the coding strand, the complement: BRIP1 is on the minus strand). VCF-style: chr17-61685888-A-G. GRCh37 (hg19) VCF-style: chr17-59763249-A-G.
Identifiers: ClinVar variation 2022268 (VCV002022268.5), dbSNP rs2144108936, ClinGen allele CA501335548.

ClinVar aggregate classification (germline): Benign/Likely benign. Review status: criteria provided, multiple submitters, no conflicts (2 of 4 stars). 2 submissions from 2 submitters: Benign (1); Likely benign (1). Last evaluated 2024-09-06.

Conditions:
Familial cancer of breast. Also called: BREAST CANCER, FAMILIAL; hereditary breast carcinoma; Hereditary breast cancer. Identifiers: Orphanet 227535, MedGen C0346153, MONDO:0016419, OMIM 114480. Disease mechanism: loss of function.
Fanconi anemia complementation group J. Also called: BRIP1-Related Fanconi Anemia. Identifiers: Orphanet 84, MedGen C1836860, MONDO:0012187, OMIM 609054.

Submissions (2):

Myriad Genetics, Inc.
Classification: Benign for Familial cancer of breast. Last evaluated: 2024-09-06. Review status: criteria provided, single submitter. Criteria: Myriad Autosomal Dominant, Autosomal Recessive and X-Linked Classification Criteria (2023). Collection method: clinical testing. Allele origin: unknown.
Comment: This variant is considered benign. This variant is a silent/synonymous amino acid change and it is not expected to impact splicing.

Labcorp Genetics (formerly Invitae), Labcorp
Classification: Likely benign for Familial cancer of breast; Fanconi anemia complementation group J. Last evaluated: 2024-04-29. Review status: criteria provided, single submitter. Criteria: Invitae Variant Classification Sherloc (09022015). Collection method: clinical testing. Allele origin: germline.